The following is an entry in ClinVar:

ClinVar aggregate classification (germline): Uncertain significance. Review status: criteria provided, multiple submitters, no conflicts (2 of 4 stars). 4 submissions from 4 submitters: Uncertain significance (4). Last evaluated 2025-10-22.

Conditions:
Hereditary nonpolyposis colorectal neoplasms. Identifiers: MedGen C0009405, MeSH D003123.
Lynch syndrome. Identifiers: Orphanet 144, MedGen C4552100, MONDO:0005835. Disease mechanism: loss of function.
Hereditary cancer-predisposing syndrome. Also called: Neoplastic Syndromes, Hereditary; Hereditary neoplastic syndrome; Tumor predisposition; Hereditary Cancer Syndrome. Identifiers: Orphanet 140162, MedGen C0027672, MeSH D009386, MONDO:0015356.

Allele frequency attached by ClinVar (database versions not stated): gnomAD exomes below 0.00001; ExAC 0.00001.
gnomAD v4.1: 2 of 1,614,164 alleles (0.00012%); highest among the groups gnomAD compares: Non-Finnish European, 0.00017%; no homozygotes.

Submissions (4):

Ambry Genetics
Classification: Uncertain significance for Hereditary cancer-predisposing syndrome. Last evaluated: 2025-10-22. Review status: criteria provided, single submitter. Criteria: Ambry Variant Classification Scheme 2023. Collection method: clinical testing. Allele origin: germline.
Comment: The p.W365R variant (also known as c.1093T>C), located in coding exon 4 of the MSH6 gene, results from a T to C substitution at nucleotide position 1093. The tryptophan at codon 365 is replaced by arginine, an amino acid with dissimilar properties. This amino acid position is highly conserved in available vertebrate species. In addition, this alteration is predicted to be deleterious by in silico analysis. Based on the available evidence, the clinical significance of this variant remains unclear.

Labcorp Genetics (formerly Invitae), Labcorp
Classification: Uncertain significance for Hereditary nonpolyposis colorectal neoplasms. Last evaluated: 2024-04-23. Review status: criteria provided, single submitter. Criteria: Invitae Variant Classification Sherloc (09022015). Collection method: clinical testing. Allele origin: germline.
Comment: This sequence change replaces tryptophan, which is neutral and slightly polar, with arginine, which is basic and polar, at codon 365 of the MSH6 protein (p.Trp365Arg). This variant is present in population databases (rs752628520, gnomAD 0.0009%). This variant has not been reported in the literature in individuals affected with MSH6-related conditions. ClinVar contains an entry for this variant (Variation ID: 619535). Advanced modeling of protein sequence and biophysical properties (such as structural, functional, and spatial information, amino acid conservation, physicochemical variation, residue mobility, and thermodynamic stability) has been performed at Invitae for this missense variant, however the output from this modeling did not meet the statistical confidence thresholds required to predict the impact of this variant on MSH6 protein function. In summary, the available evidence is currently insufficient to determine the role of this variant in disease. Therefore, it has been classified as a Variant of Uncertain Significance.

Women's Health and Genetics/Laboratory Corporation of America, LabCorp
Classification: Uncertain significance. Last evaluated: 2021-06-14. Review status: criteria provided, single submitter. Criteria: LabCorp Variant Classification Summary - May 2015. Collection method: clinical testing. Allele origin: germline.
Comment: Variant summary: MSH6 c.1093T>C (p.Trp365Arg) results in a non-conservative amino acid change in the encoded protein sequence. Five of five in-silico tools predict a damaging effect of the variant on protein function. The variant allele was found at a frequency of 4e-06 in 251092 control chromosomes. The available data on variant occurrences in the general population are insufficient to allow any conclusion about variant significance. To our knowledge, no occurrence of c.1093T>C in individuals affected with Lynch Syndrome and no experimental evidence demonstrating its impact on protein function have been reported. No clinical diagnostic laboratories have submitted clinical-significance assessments for this variant in the somatic state to ClinVar after 2014. Based on the evidence outlined above, the variant was classified as uncertain significance.

University of Washington Department of Laboratory Medicine, University of Washington
Classification: Uncertain significance for Lynch syndrome. Last evaluated: 2018-05-01. Review status: criteria provided, single submitter. Criteria: Shirts BH et al. (Am J Hum Genet 2018). Collection method: clinical testing. Allele origin: somatic. Affected: yes.
Comment: MSH6 NM_000179.2:c.1093T>C has a 59.6% probability of pathogenicity based on combining prior probability from public data with a likelihood ratio of 0.16 to 1, generated from evidence of seeing this as a somatic mutation in a tumor with loss of heterozygosity at the MSH6 locus. See Shirts et al 2018, PMID 29887214.

NM_000179.3(MSH6):c.1093T>C (p.Trp365Arg)

Gene: MSH6 (mutS homolog 6; plus strand). Cytogenetic location: 2p16.3.
Variant type: single nucleotide variant.
Coding change: c.1093T>C on transcript NM_000179.3 (MANE Select); coding-DNA position 1093, T replaced by C.
Protein change: p.Trp365Arg; replaces tryptophan 365 with arginine.
Molecular consequence: missense variant.
Genome position (GRCh38, 1-based): chr2:47,799,076, T>C. VCF-style: chr2-47799076-T-C. GRCh37 (hg19) VCF-style: chr2-48026215-T-C.
Other names: c.703T>C, p.Trp235Arg (NM_001281492.2); c.187T>C, p.Trp63Arg (NM_001281493.2, NM_001281494.2); short protein forms W365R, W235R, W63R.
Identifiers: ClinVar variation 619535 (VCV000619535.13), dbSNP rs752628520, ClinGen allele CA067147.
Genomic context (GRCh38, chr2:47,799,076, plus strand): 5'-AATTCTGAATCCCAAGCCCACGTTAGTGGAGGTGGTGATGACAGTAGTCGCCCTACTGTT[T>C]GGTATCATGAAACTTTAGAATGGCTTAAGGAGGAAAAGAGAAGAGATGAGCACAGGAGGA-3'
Protein context (NP_000170.1, residues 355-375): GGDDSSRPTV[Trp365Arg]YHETLEWLKE